The following is an entry in ClinVar:

ClinVar aggregate classification (germline): Uncertain significance. Review status: criteria provided, multiple submitters, no conflicts (2 of 4 stars). 2 submissions from 2 submitters: Uncertain significance (2). Last evaluated 2025-09-16.

Conditions:
Charcot-Marie-Tooth disease axonal type 2C (HMSN2C). Also called: CHARCOT-MARIE-TOOTH DISEASE, AXONAL, AUTOSOMAL DOMINANT, TYPE 2C; Charcot-Marie-Tooth Neuropathy Type 2C; Charcot-Marie-Tooth Disease Type 2, TRPV4-Related (CMT2C). Identifiers: Orphanet 99937, MedGen C1853710, MONDO:0011633, OMIM 606071.

Allele frequency attached by ClinVar (database versions not stated): ExAC 0.00001; gnomAD 0.00001; gnomAD exomes 0.00001; TOPMed 0.00002; ESP Exome Variant Server 0.00008.
gnomAD v4.1: 22 of 1,613,882 alleles (0.0014%); highest among the groups gnomAD compares: East Asian, 0.0089%; no homozygotes.

Submissions (2):

Labcorp Genetics (formerly Invitae), Labcorp
Classification: Uncertain significance for Charcot-Marie-Tooth disease axonal type 2C. Last evaluated: 2025-09-16. Review status: criteria provided, single submitter. Criteria: Invitae Variant Classification Sherloc (09022015). Collection method: clinical testing. Allele origin: germline.
Comment: This sequence change replaces valine, which is neutral and non-polar, with isoleucine, which is neutral and non-polar, at codon 469 of the TRPV4 protein (p.Val469Ile). This variant is not present in population databases (gnomAD no frequency). This variant has not been reported in the literature in individuals affected with TRPV4-related conditions. ClinVar contains an entry for this variant (Variation ID: 2437348). Invitae Evidence Modeling of protein sequence and biophysical properties (such as structural, functional, and spatial information, amino acid conservation, physicochemical variation, residue mobility, and thermodynamic stability) indicates that this missense variant is not expected to disrupt TRPV4 protein function with a negative predictive value of 95%. In summary, the available evidence is currently insufficient to determine the role of this variant in disease. Therefore, it has been classified as a Variant of Uncertain Significance.

Revvity Omics, Revvity
Classification: Uncertain significance. Last evaluated: 2022-01-11. Review status: criteria provided, single submitter. Criteria: ACMG Guidelines, 2015. Collection method: clinical testing. Allele origin: germline.

NM_021625.5(TRPV4):c.1405G>A (p.Val469Ile)

Gene: TRPV4 (transient receptor potential cation channel subfamily V member 4; minus strand). Cytogenetic location: 12q24.11.
Variant type: single nucleotide variant.
Coding change: c.1405G>A on transcript NM_021625.5 (MANE Select); coding-DNA position 1405, G replaced by A.
Protein change: p.Val469Ile; replaces valine 469 with isoleucine.
Molecular consequence: missense variant.
Genome position (GRCh38, 1-based): chr12:109,794,415, C>T on the plus strand (G>A on the coding strand, the complement: TRPV4 is on the minus strand). VCF-style: chr12-109794415-C-T. GRCh37 (hg19) VCF-style: chr12-110232220-C-T.
Other names: c.1225G>A, p.Val409Ile (NM_147204.3); c.1264G>A, p.Val422Ile (NM_001177428.2); c.1303G>A, p.Val435Ile (NM_001177431.2); c.1084G>A, p.Val362Ile (NM_001177433.2); short protein forms V362I, V409I, V422I, V435I, V469I.
Identifiers: ClinVar variation 2437348 (VCV002437348.4), dbSNP rs369637458, ClinGen allele CA6780246.